The following is an entry in ClinVar:

NM_133261.3(GIPC3):c.466_476del (p.Ser156fs)

Gene: GIPC3 (GIPC PDZ domain containing family member 3; plus strand). Cytogenetic location: 19p13.3.
Variant type: Deletion.
Coding change: c.466_476del on transcript NM_133261.3 (MANE Select); coding-DNA positions 466 to 476, 11 bases deleted (AGCATCGAAGC).
Protein change: p.Ser156fs; shifts the reading frame from serine 156.
Molecular consequence: frameshift variant.
Genome position (GRCh38, 1-based): chr19:3,586,868-3,586,878, AGCATCGAAGC deleted; deleting any 11 consecutive bases within chr19:3,586,867-3,586,878 gives the same sequence; the c. name uses the placement nearest the transcript's 3' end. VCF-style (leftmost placement, unchanged base first): chr19-3586866-ACAGCATCGAAG-A. GRCh37 (hg19) VCF-style: chr19-3586864-ACAGCATCGAAG-A.
Other names: c.466_476del, p.Ser156fs (NM_001411144.1); short protein forms S156fs.
Identifiers: ClinVar variation 3601138 (VCV003601138.1).
Genomic context (GRCh38, chr19:3,586,866, plus strand): 5'-CCCTGCAGAGAATCAAGGAAGGCAGTATCATCAACCGGATCGAGGCAGTGTGCGTGGGTG[ACAGCATCGAAG>A]CCATCAACGACCACTCCATTGTGGGCTGCCGCCACTACGAGGTGGCCAAGATGCTCCGGG-3'

ClinVar aggregate classification (germline): Likely pathogenic (1 of 4 stars; one submission).

Conditions:
Autosomal recessive nonsyndromic hearing loss 15. Also called: DEAFNESS, AUTOSOMAL RECESSIVE 72; DEAFNESS, AUTOSOMAL RECESSIVE 15; DEAFNESS, AUTOSOMAL RECESSIVE 95. Identifiers: Orphanet 90636, MedGen C1866094, MONDO:0011160, OMIM 601869.

Submission:

Institute of Rare Diseases, West China Hospital, Sichuan University
Classification: Likely pathogenic for Autosomal recessive nonsyndromic hearing loss 15. Last evaluated: 2025-01-09. Review status: criteria provided, single submitter. Criteria: ClinGen HL ACMG Specifications v1. Collection method: research. Allele origin: germline. Affected: yes.
Comment: PVS1;PM2_Supporting